The following is an entry in ClinVar:

NM_001101362.3(KBTBD13):c.266A>G (p.Gln89Arg)

Gene: KBTBD13 (kelch repeat and BTB domain containing 13; plus strand). Cytogenetic location: 15q22.31.
Variant type: single nucleotide variant.
Coding change: c.266A>G on transcript NM_001101362.3 (MANE Select); coding-DNA position 266, A replaced by G.
Protein change: p.Gln89Arg; replaces glutamine 89 with arginine.
Molecular consequence: missense variant.
Genome position (GRCh38, 1-based): chr15:65,077,081, A>G. VCF-style: chr15-65077081-A-G. GRCh37 (hg19) VCF-style: chr15-65369419-A-G.
Other names: short protein forms Q89R.
Identifiers: ClinVar variation 579336 (VCV000579336.9), dbSNP rs1460367454, ClinGen allele CA392859267.

ClinVar aggregate classification (germline): Uncertain significance (1 of 4 stars; one submission).

Conditions:
Nemaline myopathy 6 (NEM6). Also called: Nemaline myopathy 6, autosomal dominant. Identifiers: Orphanet 171439, MedGen C1836472, MONDO:0012237, OMIM 609273.

Allele frequency attached by ClinVar (database versions not stated): gnomAD exomes 0.00001 and 0.00003.
gnomAD v4.1: 40 of 1,515,474 alleles (0.0026%); highest among the groups gnomAD compares: Non-Finnish European, 0.0034%; no homozygotes.

Submission:

Labcorp Genetics (formerly Invitae), Labcorp
Classification: Uncertain significance for Nemaline myopathy 6. Last evaluated: 2024-07-16. Review status: criteria provided, single submitter. Criteria: Invitae Variant Classification Sherloc (09022015). Collection method: clinical testing. Allele origin: germline.
Comment: This sequence change replaces glutamine, which is neutral and polar, with arginine, which is basic and polar, at codon 89 of the KBTBD13 protein (p.Gln89Arg). The frequency data for this variant in the population databases is considered unreliable, as metrics indicate poor data quality at this position in the gnomAD database. This variant has not been reported in the literature in individuals affected with KBTBD13-related conditions. ClinVar contains an entry for this variant (Variation ID: 579336). Advanced modeling of protein sequence and biophysical properties (such as structural, functional, and spatial information, amino acid conservation, physicochemical variation, residue mobility, and thermodynamic stability) performed at Invitae indicates that this missense variant is not expected to disrupt KBTBD13 protein function with a negative predictive value of 80%. In summary, the available evidence is currently insufficient to determine the role of this variant in disease. Therefore, it has been classified as a Variant of Uncertain Significance.